The following is an entry in ClinVar:

NM_001105206.3(LAMA4):c.569G>A (p.Ser190Asn)

Gene: LAMA4 (laminin subunit alpha 4; minus strand). Cytogenetic location: 6q21.
Variant type: single nucleotide variant.
Coding change: c.569G>A on transcript NM_001105206.3 (MANE Select); coding-DNA position 569, G replaced by A.
Protein change: p.Ser190Asn; replaces serine 190 with asparagine.
Molecular consequence: missense variant.
Genome position (GRCh38, 1-based): chr6:112,191,785, C>T on the plus strand (G>A on the coding strand, the complement: LAMA4 is on the minus strand). VCF-style: chr6-112191785-C-T. GRCh37 (hg19) VCF-style: chr6-112512987-C-T.
Other names: c.569G>A, p.Ser190Asn (NM_001105207.3, NM_002290.5); short protein forms S190N.
Identifiers: ClinVar variation 1465940 (VCV001465940.8), dbSNP rs2114966041, ClinGen allele CA365378304.

ClinVar aggregate classification (germline): Uncertain significance (1 of 4 stars; one submission).

Conditions:
Dilated cardiomyopathy 1JJ (CMD1JJ). Identifiers: Orphanet 154, MedGen C3808935, MONDO:0014095, OMIM 615235.

Submission:

Labcorp Genetics (formerly Invitae), Labcorp
Classification: Uncertain significance for Dilated cardiomyopathy 1JJ. Last evaluated: 2020-11-02. Review status: criteria provided, single submitter. Criteria: Invitae Variant Classification Sherloc (09022015). Collection method: clinical testing. Allele origin: germline.
Comment: In summary, the available evidence is currently insufficient to determine the role of this variant in disease. Therefore, it has been classified as a Variant of Uncertain Significance. Algorithms developed to predict the effect of missense changes on protein structure and function output the following: SIFT: "Tolerated"; PolyPhen-2: "Benign"; Align-GVGD: "Class C0". The asparagine amino acid residue is found in multiple mammalian species, suggesting that this missense change does not adversely affect protein function. These predictions have not been confirmed by published functional studies and their clinical significance is uncertain. This variant has not been reported in the literature in individuals with LAMA4-related conditions. This variant is not present in population databases (ExAC no frequency). This sequence change replaces serine with asparagine at codon 190 of the LAMA4 protein (p.Ser190Asn). The serine residue is highly conserved and there is a small physicochemical difference between serine and asparagine.